The following is an entry in ClinVar:

NM_205836.3(FBXO38):c.529A>G (p.Ile177Val)

Gene: FBXO38 (F-box protein 38; plus strand). Cytogenetic location: 5q32.
Variant type: single nucleotide variant.
Coding change: c.529A>G on transcript NM_205836.3 (MANE Select); coding-DNA position 529, A replaced by G.
Protein change: p.Ile177Val; replaces isoleucine 177 with valine.
Molecular consequence: missense variant.
Genome position (GRCh38, 1-based): chr5:148,402,450, A>G. VCF-style: chr5-148402450-A-G. GRCh37 (hg19) VCF-style: chr5-147782013-A-G.
Other names: c.529A>G, p.Ile177Val (NM_001271723.2, NM_030793.5); c.529A>G (NM_030793.4); short protein forms I177V.
Identifiers: ClinVar variation 1008680 (VCV001008680.11), dbSNP rs560664064, ClinGen allele CA128968872.

ClinVar aggregate classification (germline): Uncertain significance. Review status: criteria provided, multiple submitters, no conflicts (2 of 4 stars). 2 submissions from 2 submitters: Uncertain significance (2). Last evaluated 2025-07-08.

Conditions:
FBXO38-related disorder. Also called: FBXO38-related condition.
Distal hereditary motor neuropathy type 2. Identifiers: Orphanet 139525, MedGen C3711384, MeSH C580044, MONDO:0015352.

Allele frequency attached by ClinVar (database versions not stated): gnomAD exomes below 0.00001 and 0.00001; TOPMed below 0.00001; gnomAD 0.00001.
gnomAD v4.1: 15 of 1,612,700 alleles (0.00093%); highest among the groups gnomAD compares: Admixed American, 0.0017%; no homozygotes.

Submissions (2):

PreventionGenetics, part of Exact Sciences
Classification: Uncertain significance for FBXO38-related condition. Last evaluated: 2025-07-08. Review status: criteria provided, single submitter. Criteria: ACMG Guidelines, 2015. Collection method: clinical testing. Allele origin: germline.
Comment: The FBXO38 c.529A>G variant is predicted to result in the amino acid substitution p.Ile177Val. To our knowledge, this variant has not been reported in the literature. This variant is reported in 0.00088% of alleles in individuals of European (Non-Finnish) descent in gnomAD. At this time, the clinical significance of this variant is uncertain due to the absence of conclusive functional and genetic evidence.

Labcorp Genetics (formerly Invitae), Labcorp
Classification: Uncertain significance for Distal hereditary motor neuropathy type 2. Last evaluated: 2025-03-14. Review status: criteria provided, single submitter. Criteria: Invitae Variant Classification Sherloc (09022015). Collection method: clinical testing. Allele origin: germline.
Comment: This sequence change replaces isoleucine, which is neutral and non-polar, with valine, which is neutral and non-polar, at codon 177 of the FBXO38 protein (p.Ile177Val). The frequency data for this variant in the population databases is considered unreliable, as metrics indicate poor data quality at this position in the gnomAD database. This variant has not been reported in the literature in individuals affected with FBXO38-related conditions. ClinVar contains an entry for this variant (Variation ID: 1008680). Invitae Evidence Modeling of protein sequence and biophysical properties (such as structural, functional, and spatial information, amino acid conservation, physicochemical variation, residue mobility, and thermodynamic stability) indicates that this missense variant is not expected to disrupt FBXO38 protein function with a negative predictive value of 80%. In summary, the available evidence is currently insufficient to determine the role of this variant in disease. Therefore, it has been classified as a Variant of Uncertain Significance.